The following is an entry in ClinVar:

ClinVar aggregate classification (germline): Likely benign (1 of 4 stars; one submission).

Allele frequency attached by ClinVar (database versions not stated): gnomAD exomes 0.00012; ExAC 0.00014; ESP Exome Variant Server 0.00015; gnomAD 0.00016; TOPMed 0.00011.
gnomAD v4.1: 198 of 1,614,208 alleles (0.012%); highest among the groups gnomAD compares: African/African-American, 0.024%; no homozygotes.

Submission:

CeGaT Center for Human Genetics Tuebingen
Classification: Likely benign. Last evaluated: 2023-06-01. Review status: criteria provided, single submitter. Criteria: CeGaT Center For Human Genetics Tuebingen Variant Classification Criteria Version 2. Collection method: clinical testing. Allele origin: germline. Affected: yes. Observed: 1 variant allele.
Comment: MDH1: BP4

NM_005917.4(MDH1):c.-3A>G

Genes: MDH1 (malate dehydrogenase 1; plus strand), WDPCP (WD repeat containing planar cell polarity effector; minus strand). Cytogenetic location: 2p15.
Variant type: single nucleotide variant.
Coding change: c.-3A>G on transcript NM_005917.4 (MANE Select); 3 bases upstream of the start codon, A replaced by G.
Molecular consequence: 5 prime UTR variant.
Genome position (GRCh38, 1-based): chr2:63,589,041, A>G. VCF-style: chr2-63589041-A-G. GRCh37 (hg19) VCF-style: chr2-63816175-A-G.
Other names: c.-3A>G (NM_001316374.2).
Identifiers: ClinVar variation 2650996 (VCV002650996.24), dbSNP rs201441090, ClinGen allele CA1682680.